The following is an entry in ClinVar:

NM_000186.4(CFH):c.415C>G (p.Pro139Ala)

Gene: CFH (complement factor H; plus strand). Cytogenetic location: 1q31.3.
Variant type: single nucleotide variant.
Coding change: c.415C>G on transcript NM_000186.4 (MANE Select); coding-DNA position 415, C replaced by G.
Protein change: p.Pro139Ala; replaces proline 139 with alanine.
Molecular consequence: missense variant.
Genome position (GRCh38, 1-based): chr1:196,676,053, C>G. VCF-style: chr1-196676053-C-G. GRCh37 (hg19) VCF-style: chr1-196645183-C-G.
Other names: c.415C>G, p.Pro139Ala (NM_001014975.3); short protein forms P139A.
Identifiers: ClinVar variation 4291689 (VCV004291689.1).

ClinVar aggregate classification (germline): Uncertain significance (1 of 4 stars; one submission).

Conditions:
Age related macular degeneration 4. Identifiers: MedGen C1853147, MONDO:0012540, OMIM 610698.

gnomAD v4.1: 11 of 1,595,582 alleles (0.00069%); highest among the groups gnomAD compares: Non-Finnish European, 0.00086%; no homozygotes.

Submission:

Genomenon, Inc
Classification: Uncertain significance for Age related macular degeneration 4. Last evaluated: 2025-10-02. Review status: criteria provided, single submitter. Criteria: Genomenon Sequence Variant Interpretation Standards - Updated. Collection method: curation. Allele origin: germline. Affected: yes.
Comment: CFH p.Pro139Ala (c.415C>G) is a missense variant that changes the amino acid at residue 139 from Proline to Alanine. This variant has been observed in at least one proband affected with age-related macular degeneration (PMID:29686068;26268811). It is absent or not present at a significant frequency in gnomAD. In silico models agree that this variant is possibly or probably damaging. In conclusion, we classify CFH p.Pro139Ala (c.415C>G) as a variant of uncertain significance.

Literature cited by the submitters: PubMed 29686068; PubMed 26268811.